The following is an entry in ClinVar:

NM_024408.4(NOTCH2):c.2794A>G (p.Thr932Ala)

Gene: NOTCH2 (notch receptor 2; minus strand). Cytogenetic location: 1p12.
Variant type: single nucleotide variant.
Coding change: c.2794A>G on transcript NM_024408.4 (MANE Select); coding-DNA position 2794, A replaced by G.
Protein change: p.Thr932Ala; replaces threonine 932 with alanine.
Molecular consequence: missense variant.
Genome position (GRCh38, 1-based): chr1:119,941,713, T>C on the plus strand (A>G on the coding strand, the complement: NOTCH2 is on the minus strand). VCF-style: chr1-119941713-T-C. GRCh37 (hg19) VCF-style: chr1-120484336-T-C.
Other names: c.2794A>G, p.Thr932Ala (NM_001200001.2); c.2794A>G (NM_024408.3); short protein forms T932A.
Identifiers: ClinVar variation 1395760 (VCV001395760.9), dbSNP rs1650070015, ClinGen allele CA341856260.

ClinVar aggregate classification (germline): Uncertain significance. Review status: criteria provided, multiple submitters, no conflicts (2 of 4 stars). 3 submissions from 3 submitters: Uncertain significance (2). 1 of the submissions does not count toward it. Last evaluated 2023-08-04.

Conditions:
Inborn genetic diseases. Identifiers: MedGen C0950123, MeSH D030342.
NOTCH2-related disorder. Also called: NOTCH2-related condition.
Hajdu-Cheney syndrome (HJCYS). Also called: ACROOSTEOLYSIS WITH OSTEOPOROSIS AND CHANGES IN SKULL AND MANDIBLE; SERPENTINE FIBULA-POLYCYSTIC KIDNEY SYNDROME; Acroosteolysis dominant type. Identifiers: Orphanet 955, MedGen C0917715, MONDO:0007057, OMIM 102500.

Submissions (3):

Labcorp Genetics (formerly Invitae), Labcorp
Classification: Uncertain significance for Hajdu-Cheney syndrome. Last evaluated: 2023-08-04. Review status: criteria provided, single submitter. Criteria: Invitae Variant Classification Sherloc (09022015). Collection method: clinical testing. Allele origin: germline.
Comment: In summary, the available evidence is currently insufficient to determine the role of this variant in disease. Therefore, it has been classified as a Variant of Uncertain Significance. Advanced modeling of protein sequence and biophysical properties (such as structural, functional, and spatial information, amino acid conservation, physicochemical variation, residue mobility, and thermodynamic stability) performed at Invitae indicates that this missense variant is not expected to disrupt NOTCH2 protein function. ClinVar contains an entry for this variant (Variation ID: 1395760). This variant has not been reported in the literature in individuals affected with NOTCH2-related conditions. This variant is not present in population databases (gnomAD no frequency). This sequence change replaces threonine, which is neutral and polar, with alanine, which is neutral and non-polar, at codon 932 of the NOTCH2 protein (p.Thr932Ala).

Ambry Genetics
Classification: Uncertain significance for Inborn genetic diseases. Last evaluated: 2023-02-10. Review status: criteria provided, single submitter. Criteria: Ambry Variant Classification Scheme 2023. Collection method: clinical testing. Allele origin: germline.

PreventionGenetics, part of Exact Sciences
Classification: Uncertain significance for NOTCH2-related condition. Last evaluated: 2024-09-19. Review status: no assertion criteria provided. Collection method: clinical testing. Allele origin: germline. Not counted in ClinVar's aggregate classification.
Comment: The NOTCH2 c.2794A>G variant is predicted to result in the amino acid substitution p.Thr932Ala. To our knowledge, this variant has not been reported in the literature or in a large population database, indicating this variant is rare. At this time, the clinical significance of this variant is uncertain due to the absence of conclusive functional and genetic evidence.